The following is an entry in ClinVar:

ClinVar aggregate classification (germline): Uncertain significance. Review status: criteria provided, multiple submitters, no conflicts (2 of 4 stars). 2 submissions from 2 submitters: Uncertain significance (2). Last evaluated 2025-08-22.

gnomAD v4.1: 2 of 1,551,302 alleles (0.00013%); highest among the groups gnomAD compares: Middle Eastern, 0.018%; no homozygotes.

Submissions (2):

GeneDx
Classification: Uncertain significance. Last evaluated: 2025-08-22. Review status: criteria provided, single submitter. Criteria: GeneDx Variant Classification Process June 2021. Collection method: clinical testing. Allele origin: germline.
Comment: Not observed at significant frequency in large population cohorts (gnomAD); In silico analysis suggests that this missense variant does not alter protein structure/function; Has not been previously published as pathogenic or benign to our knowledge

Blueprint Genetics
Classification: Uncertain significance. Last evaluated: 2020-03-03. Review status: criteria provided, single submitter. Criteria: ACMG Guidelines, 2015. Collection method: clinical testing. Allele origin: germline.

NM_004817.4(TJP2):c.56T>C (p.Leu19Pro)

Gene: TJP2 (tight junction protein 2; plus strand). Cytogenetic location: 9q21.11.
Variant type: single nucleotide variant.
Coding change: c.56T>C on transcript NM_004817.4 (MANE Select); coding-DNA position 56, T replaced by C.
Protein change: p.Leu19Pro; replaces leucine 19 with proline.
Molecular consequence: missense variant. On other transcripts: intron variant (3).
Genome position (GRCh38, 1-based): chr9:69,174,428, T>C. VCF-style: chr9-69174428-T-C. GRCh37 (hg19) VCF-style: chr9-71789344-T-C.
Other names: c.56T>C, p.Leu19Pro (NM_001369872.1, NM_001369873.1, NM_201629.3); c.-10+22657T>C (NM_001170414.2, NM_001369870.1); c.-127-10659T>C (NM_001369871.1); short protein forms L19P.
Identifiers: ClinVar variation 4074568 (VCV004074568.3).